The following is an entry in ClinVar:

NM_020163.3(SEMA3G):c.2096C>T (p.Ala699Val)

Gene: SEMA3G (semaphorin 3G; minus strand). Cytogenetic location: 3p21.1.
Variant type: single nucleotide variant.
Coding change: c.2096C>T on transcript NM_020163.3 (MANE Select); coding-DNA position 2096, C replaced by T.
Protein change: p.Ala699Val; replaces alanine 699 with valine.
Molecular consequence: missense variant.
Genome position (GRCh38, 1-based): chr3:52,435,856, G>A on the plus strand (C>T on the coding strand, the complement: SEMA3G is on the minus strand). VCF-style: chr3-52435856-G-A. GRCh37 (hg19) VCF-style: chr3-52469872-G-A.
Other names: short protein forms A699V.
Identifiers: ClinVar variation 3347990 (VCV003347990.1).

ClinVar aggregate classification (germline): Uncertain significance (0 of 4 stars; one submission).

Conditions:
SEMA3G-related disorder. Also called: SEMA3G-related condition.

Submission:

PreventionGenetics, part of Exact Sciences
Classification: Uncertain significance for SEMA3G-related condition. Last evaluated: 2023-12-12. Review status: no assertion criteria provided. Collection method: clinical testing. Allele origin: germline.
Comment: The SEMA3G c.2096C>T variant is predicted to result in the amino acid substitution p.Ala699Val. To our knowledge, this variant has not been reported in the literature or in a large population database, indicating this variant is rare. At this time, the clinical significance of this variant is uncertain due to the absence of conclusive functional and genetic evidence.